The following is an entry in ClinVar:

ClinVar aggregate classification (germline): Pathogenic/Likely pathogenic. Review status: criteria provided, multiple submitters, no conflicts (2 of 4 stars). 2 submissions from 2 submitters: Pathogenic (1); Likely pathogenic (1). Last evaluated 2025-03-05.

Conditions:
Becker muscular dystrophy, Cardiomyopathy, Duchenne muscular dystrophy, Dystrophin deficiency.

Allele frequency attached by ClinVar (database versions not stated): ExAC below 0.00001.

Submissions (3):

Natera, Inc.
Classification: Likely pathogenic for Becker muscular dystrophy, Cardiomyopathy, Duchenne muscular dystrophy, Dystrophin deficiency. Last evaluated: 2025-03-05. Review status: criteria provided, single submitter. Criteria: Natera Variant Classification Schema (03/2026). Collection method: clinical testing. Allele origin: germline.
Comment: The c.1603-2A>C variant in DMD is a canonical splice acceptor site variant predicted to affect pre-mRNA splicing, which may result in an abnormal transcript and altered protein product. This variant may result in a truncated or dysfunctional protein product. This variant is rare in the general population with a frequency below the threshold expected for the associated phenotype(s). This variant has been observed in affected individual(s) with monoallelic occurrence (heterozygous/hemizygous) (PMID: 32194622, 21851881, 16077730). Given the available evidence, this variant is classified as Likely Pathogenic.

Eurofins Ntd Llc (ga)
Classification: Pathogenic. Last evaluated: 2018-01-26. Review status: criteria provided, single submitter. Criteria: EGL Classification Definitions 2015. Collection method: clinical testing. Allele origin: germline. Observed: 2 variant alleles, 1 heterozygote, 1 hemizygote.

Dr. Peter K. Rogan Lab, Western University
No classification provided (evidence only). Condition: Nonpapillary renal cell carcinoma. Review status: no classification provided. Collection method: in vitro. Allele origin: not applicable. Functional consequence: retained intron. Not counted in ClinVar's aggregate classification.

Literature cited by the submitters: PubMed 32194622 (cited by Natera, Inc.); PubMed 21851881 (cited by Natera, Inc.); PubMed 16077730 (cited by Natera, Inc.).

NM_004006.3(DMD):c.1603-2A>C

Gene: DMD (dystrophin; minus strand). Cytogenetic location: Xp21.1.
Variant type: single nucleotide variant.
Coding change: c.1603-2A>C on transcript NM_004006.3 (MANE Select); the canonical splice acceptor site of the intron before coding-DNA position 1603, A replaced by C.
Molecular consequence: splice acceptor variant.
Genome position (GRCh38, 1-based): chrX:32,573,848, T>G on the plus strand (A>C on the coding strand, the complement: DMD is on the minus strand). VCF-style: chrX-32573848-T-G. GRCh37 (hg19) VCF-style: chrX-32591965-T-G.
Other names: NC_000023.10:g.32591965T>G; c.1579-2A>C (NM_000109.4); c.1591-2A>C (NM_004009.3); c.1234-2A>C (NM_004010.3).
Identifiers: ClinVar variation 595916 (VCV000595916.9), dbSNP rs773779441, ClinGen allele CA10379779.